The following is an entry in ClinVar:

NM_000379.4(XDH):c.2969A>G (p.Lys990Arg)

Gene: XDH (xanthine dehydrogenase; minus strand). Cytogenetic location: 2p23.1.
Variant type: single nucleotide variant.
Coding change: c.2969A>G on transcript NM_000379.4 (MANE Select); coding-DNA position 2969, A replaced by G.
Protein change: p.Lys990Arg; replaces lysine 990 with arginine.
Molecular consequence: missense variant.
Genome position (GRCh38, 1-based): chr2:31,349,686, T>C on the plus strand (A>G on the coding strand, the complement: XDH is on the minus strand). VCF-style: chr2-31349686-T-C. GRCh37 (hg19) VCF-style: chr2-31572552-T-C.
Other names: p.Lys990Arg; short protein forms K990R.
Identifiers: ClinVar variation 2081177 (VCV002081177.3), dbSNP rs756366742, ClinGen allele CA1598619.

ClinVar aggregate classification (germline): Uncertain significance. Review status: criteria provided, multiple submitters, no conflicts (2 of 4 stars). 3 submissions from 3 submitters: Uncertain significance (3). Last evaluated 2024-01-25.

Conditions:
Hereditary xanthinuria type 1 (XAN1). Identifiers: Orphanet 3467, Orphanet 93601, MedGen C0268118, MONDO:0010209, OMIM 278300.
Xanthinuria type II. Also called: Xanthine dehydrogenase and aldehyde oxidase combined deficiency of; XDH and AOX dual deficiency. Identifiers: Orphanet 3467, Orphanet 93602, MedGen C1863688, MONDO:0011346, OMIM 603592.

Allele frequency attached by ClinVar (database versions not stated): gnomAD exomes 0.00002; ExAC 0.00005; gnomAD 0.00005; TOPMed 0.00008.
gnomAD v4.1: 33 of 1,614,072 alleles (0.002%); highest among the groups gnomAD compares: African/African-American, 0.004%; 1 homozygote.

Submissions (3):

Fulgent Genetics
Classification: Uncertain significance for Hereditary xanthinuria type 1. Last evaluated: 2024-01-25. Review status: criteria provided, single submitter. Criteria: ACMG Guidelines, 2015. Collection method: clinical testing. Allele origin: germline.

Mayo Clinic Laboratories, Mayo Clinic
Classification: Uncertain significance. Last evaluated: 2023-01-11. Review status: criteria provided, single submitter. Criteria: ACMG Guidelines, 2015. Collection method: clinical testing. Allele origin: germline. Observed: 1 variant allele.
Comment: BP4

Labcorp Genetics (formerly Invitae), Labcorp
Classification: Uncertain significance for Xanthinuria type II. Last evaluated: 2022-02-28. Review status: criteria provided, single submitter. Criteria: Invitae Variant Classification Sherloc (09022015). Collection method: clinical testing. Allele origin: germline.
Comment: This sequence change replaces lysine, which is basic and polar, with arginine, which is basic and polar, at codon 990 of the XDH protein (p.Lys990Arg). This variant is present in population databases (rs756366742, gnomAD 0.006%). This variant has not been reported in the literature in individuals affected with XDH-related conditions. Algorithms developed to predict the effect of missense changes on protein structure and function output the following: SIFT: "Tolerated"; PolyPhen-2: "Benign"; Align-GVGD: "Class C0". The arginine amino acid residue is found in multiple mammalian species, which suggests that this missense change does not adversely affect protein function. Algorithms developed to predict the effect of sequence changes on RNA splicing suggest that this variant may create or strengthen a splice site. In summary, the available evidence is currently insufficient to determine the role of this variant in disease. Therefore, it has been classified as a Variant of Uncertain Significance.